The following is an entry in ClinVar:

ClinVar aggregate classification (germline): Pathogenic (1 of 4 stars; one submission).

Conditions:
Androgen resistance syndrome (AIS). Also called: ANDROGEN RECEPTOR DEFICIENCY; DIHYDROTESTOSTERONE RECEPTOR DEFICIENCY; TESTICULAR FEMINIZATION SYNDROME; DHTR DEFICIENCY; Androgen insensitivity syndrome; Androgen insensitivity. Identifiers: Orphanet 754, Orphanet 99429, MedGen C0039585, MONDO:0019154, OMIM 300068. Disease mechanism: loss of function.
Kennedy disease (SMAX1). Also called: SPINAL AND BULBAR MUSCULAR ATROPHY, X-LINKED 1; KENNEDY SPINAL AND BULBAR MUSCULAR ATROPHY; Spinal and Bulbar Muscular Atrophy. Identifiers: Orphanet 481, MedGen C1839259, MONDO:0010735, OMIM 313200.

Submission:

Labcorp Genetics (formerly Invitae), Labcorp
Classification: Pathogenic for Kennedy disease; Androgen resistance syndrome. Last evaluated: 2025-11-28. Review status: criteria provided, single submitter. Criteria: Invitae Variant Classification Sherloc (09022015). Collection method: clinical testing. Allele origin: germline.
Comment: This sequence change replaces leucine, which is neutral and non-polar, with serine, which is neutral and polar, at codon 723 of the AR protein (p.Leu723Ser). This variant is not present in population databases (gnomAD no frequency). This missense change has been observed in individuals with clinical features of androgen insensitivity syndrome (PMID: 32985417; internal data). Invitae Evidence Modeling of protein sequence and biophysical properties (such as structural, functional, and spatial information, amino acid conservation, physicochemical variation, residue mobility, and thermodynamic stability) indicates that this missense variant is expected to disrupt AR protein function with a positive predictive value of 95%. This variant disrupts the p.Leu723 amino acid residue in AR. Other variant(s) that disrupt this residue have been determined to be pathogenic (PMID: 8723113, 23774508; internal data). This suggests that this residue is clinically significant, and that variants that disrupt this residue are likely to be disease-causing. For these reasons, this variant has been classified as Pathogenic.

Literature cited by the submitters: PubMed 32985417; PubMed 8723113; PubMed 23774508.

NM_000044.6(AR):c.2168T>C (p.Leu723Ser)

Gene: AR (androgen receptor; plus strand). Cytogenetic location: Xq12.
Variant type: single nucleotide variant.
Coding change: c.2168T>C on transcript NM_000044.6 (MANE Select); coding-DNA position 2168, T replaced by C.
Protein change: p.Leu723Ser; replaces leucine 723 with serine.
Molecular consequence: missense variant.
Genome position (GRCh38, 1-based): chrX:67,711,684, T>C. VCF-style: chrX-67711684-T-C. GRCh37 (hg19) VCF-style: chrX-66931526-T-C.
Other names: c.572T>C, p.Leu191Ser (NM_001011645.3); short protein forms L191S, L723S.
Identifiers: ClinVar variation 4795004 (VCV004795004.1).
Genomic context (GRCh38, chrX:67,711,684, plus strand): 5'-CTAGCCTCAATGAACTGGGAGAGAGACAGCTTGTACACGTGGTCAAGTGGGCCAAGGCCT[T>C]GCCTGGTAAGGAAAAGGGAAGTGGGAGCATGAGATAAGGGGGATCATATTTAGTGAACGC-3'
Protein context (NP_000035.2, residues 713-733): LVHVVKWAKA[Leu723Ser]PGFRNLHVDD